The following is an entry in ClinVar:

ClinVar aggregate classification (germline): Uncertain significance (1 of 4 stars; one submission).

Allele frequency attached by ClinVar (database versions not stated): 1000 Genomes Project 30x 0.00016; 1000 Genomes Project 0.00020.
gnomAD v4.1: 28 of 1,614,026 alleles (0.0017%); highest among the groups gnomAD compares: East Asian, 0.053%; no homozygotes.

Submission:

Labcorp Genetics (formerly Invitae), Labcorp
Classification: Uncertain significance. Last evaluated: 2022-01-18. Review status: criteria provided, single submitter. Criteria: Invitae Variant Classification Sherloc (09022015). Collection method: clinical testing. Allele origin: germline.
Comment: This sequence change replaces histidine, which is basic and polar, with aspartic acid, which is acidic and polar, at codon 275 of the SLC4A1 protein (p.His275Asp). This variant is present in population databases (rs142866653, gnomAD 0.05%). This variant has not been reported in the literature in individuals affected with SLC4A1-related conditions. Algorithms developed to predict the effect of missense changes on protein structure and function (SIFT, PolyPhen-2, Align-GVGD) all suggest that this variant is likely to be tolerated. In summary, the available evidence is currently insufficient to determine the role of this variant in disease. Therefore, it has been classified as a Variant of Uncertain Significance.

NM_000342.4(SLC4A1):c.823C>G (p.His275Asp)

Gene: SLC4A1 (solute carrier family 4 member 1 (Diego blood group); minus strand). Cytogenetic location: 17q21.31.
Variant type: single nucleotide variant.
Coding change: c.823C>G on transcript NM_000342.4 (MANE Select); coding-DNA position 823, C replaced by G.
Protein change: p.His275Asp; replaces histidine 275 with aspartic acid.
Molecular consequence: missense variant.
Genome position (GRCh38, 1-based): chr17:44,259,216, G>C on the plus strand (C>G on the coding strand, the complement: SLC4A1 is on the minus strand). VCF-style: chr17-44259216-G-C. GRCh37 (hg19) VCF-style: chr17-42336584-G-C.
Other names: short protein forms H275D.
Identifiers: ClinVar variation 2160233 (VCV002160233.4), dbSNP rs142866653, ClinGen allele CA8600455.